The following is an entry in ClinVar:

NM_000277.3(PAH):c.780C>G (p.Phe260Leu)

Gene: PAH (phenylalanine hydroxylase; minus strand). Cytogenetic location: 12q23.2.
Variant type: single nucleotide variant.
Coding change: c.780C>G on transcript NM_000277.3 (MANE Select); coding-DNA position 780, C replaced by G.
Protein change: p.Phe260Leu; replaces phenylalanine 260 with leucine.
Molecular consequence: missense variant.
Genome position (GRCh38, 1-based): chr12:102,852,877, G>C on the plus strand (C>G on the coding strand, the complement: PAH is on the minus strand). VCF-style: chr12-102852877-G-C. GRCh37 (hg19) VCF-style: chr12-103246655-G-C.
Other names: c.780C>G, p.Phe260Leu (NM_001354304.2); short protein forms F260L.
Identifiers: ClinVar variation 2419016 (VCV002419016.6), dbSNP rs2499623316, ClinGen allele CA386295463.

ClinVar aggregate classification (germline): Likely pathogenic (1 of 4 stars; one submission).

Conditions:
Phenylketonuria (PKU). Also called: OLIGOPHRENIA PHENYLPYRUVICA; Phenylketonurias; Phenylketonuria (PKU); FOLLING DISEASE. Identifiers: Orphanet 716, MedGen C0031485, MONDO:0009861, OMIM 261600. Disease mechanism: loss of function.

Submission:

Labcorp Genetics (formerly Invitae), Labcorp
Classification: Likely pathogenic for Phenylketonuria. Last evaluated: 2022-03-11. Review status: criteria provided, single submitter. Criteria: Invitae Variant Classification Sherloc (09022015). Collection method: clinical testing. Allele origin: germline.
Comment: This variant is not present in population databases (gnomAD no frequency). This sequence change replaces phenylalanine, which is neutral and non-polar, with leucine, which is neutral and non-polar, at codon 260 of the PAH protein (p.Phe260Leu). This missense change has been observed in individual(s) with phenylketonuria (PMID: 31102715). In summary, the currently available evidence indicates that the variant is pathogenic, but additional data are needed to prove that conclusively. Therefore, this variant has been classified as Likely Pathogenic. Experimental studies have shown that this missense change affects PAH function (PMID: 31102715). Advanced modeling of protein sequence and biophysical properties (such as structural, functional, and spatial information, amino acid conservation, physicochemical variation, residue mobility, and thermodynamic stability) performed at Invitae indicates that this missense variant is expected to disrupt PAH protein function.

Literature cited by the submitters: PubMed 31102715.